The following is an entry in ClinVar:

NM_001394062.1(MACF1):c.19976A>G (p.Glu6659Gly)

Gene: MACF1 (microtubule actin crosslinking factor 1; plus strand). Cytogenetic location: 1p34.3.
Variant type: single nucleotide variant.
Coding change: c.19976A>G on transcript NM_001394062.1 (MANE Select); coding-DNA position 19976, A replaced by G.
Protein change: p.Glu6659Gly; replaces glutamic acid 6659 with glycine.
Molecular consequence: missense variant.
Genome position (GRCh38, 1-based): chr1:39,448,040, A>G. VCF-style: chr1-39448040-A-G. GRCh37 (hg19) VCF-style: chr1-39913712-A-G.
Other names: c.8054A>G, p.Glu2685Gly (NM_001397473.1); c.13799A>G, p.Glu4600Gly (NM_012090.5); short protein forms E2685G, E4600G, E6659G.
Identifiers: ClinVar variation 4976445 (VCV004976445.1).

ClinVar aggregate classification (germline): Uncertain significance (1 of 4 stars; one submission).

Submission:

GeneDx
Classification: Uncertain significance. Last evaluated: 2026-02-11. Review status: criteria provided, single submitter. Criteria: GeneDx Variant Classification Process June 2021. Collection method: clinical testing. Allele origin: germline.
Comment: Not observed at significant frequency in large population cohorts (gnomAD); In silico analysis supports that this missense variant has a deleterious effect on protein structure/function; Has not been previously published as pathogenic or benign to our knowledge